The following is an entry in ClinVar:

NM_014225.6(PPP2R1A):c.1279A>G (p.Met427Val)

Gene: PPP2R1A (protein phosphatase 2 scaffold subunit Aalpha; plus strand). Cytogenetic location: 19q13.41.
Variant type: single nucleotide variant.
Coding change: c.1279A>G on transcript NM_014225.6 (MANE Select); coding-DNA position 1279, A replaced by G.
Protein change: p.Met427Val; replaces methionine 427 with valine.
Molecular consequence: missense variant. On other transcripts: non-coding transcript variant (1).
Genome position (GRCh38, 1-based): chr19:52,219,841, A>G. VCF-style: chr19-52219841-A-G. GRCh37 (hg19) VCF-style: chr19-52723094-A-G.
Other names: c.742A>G, p.Met248Val (NM_001363656.2); short protein forms M248V, M427V.
Identifiers: ClinVar variation 4086716 (VCV004086716.1).

ClinVar aggregate classification (germline): Uncertain significance (1 of 4 stars; one submission).

Submission:

GeneDx
Classification: Uncertain significance. Last evaluated: 2025-03-17. Review status: criteria provided, single submitter. Criteria: GeneDx Variant Classification Process June 2021. Collection method: clinical testing. Allele origin: germline. Affected: yes.
Comment: Not observed at significant frequency in large population cohorts (gnomAD); In silico analysis suggests that this missense variant does not alter protein structure/function, but splice predictors indicate that the variant may lead to abnormal gene splicing; Has not been previously published as pathogenic or benign to our knowledge